The following is an entry in ClinVar:

NM_000183.3(HADHB):c.556C>G (p.Leu186Val)

Gene: HADHB (hydroxyacyl-CoA dehydrogenase trifunctional multienzyme complex subunit beta; plus strand). Cytogenetic location: 2p23.3.
Variant type: single nucleotide variant.
Coding change: c.556C>G on transcript NM_000183.3 (MANE Select); coding-DNA position 556, C replaced by G.
Protein change: p.Leu186Val; replaces leucine 186 with valine.
Molecular consequence: missense variant.
Genome position (GRCh38, 1-based): chr2:26,278,727, C>G. VCF-style: chr2-26278727-C-G. GRCh37 (hg19) VCF-style: chr2-26501595-C-G.
Other names: c.511C>G, p.Leu171Val (NM_001281512.2); c.490C>G, p.Leu164Val (NM_001281513.2); c.556C>G (NM_000183.2); short protein forms L171V, L186V, L164V.
Identifiers: ClinVar variation 2095155 (VCV002095155.2), dbSNP rs2465718402, ClinGen allele CA346092589.

ClinVar aggregate classification (germline): Uncertain significance. Review status: criteria provided, multiple submitters, no conflicts (2 of 4 stars). 2 submissions from 2 submitters: Uncertain significance (2). Last evaluated 2025-02-05.

Conditions:
Mitochondrial trifunctional protein deficiency. Identifiers: Orphanet 746, MedGen C1969443, MONDO:0012172.
Inborn genetic diseases. Identifiers: MedGen C0950123, MeSH D030342.

Submissions (2):

Ambry Genetics
Classification: Uncertain significance for Inborn genetic diseases. Last evaluated: 2025-02-05. Review status: criteria provided, single submitter. Criteria: Ambry Variant Classification Scheme 2023. Collection method: clinical testing. Allele origin: germline.

Labcorp Genetics (formerly Invitae), Labcorp
Classification: Uncertain significance for Mitochondrial trifunctional protein deficiency. Last evaluated: 2022-02-08. Review status: criteria provided, single submitter. Criteria: Invitae Variant Classification Sherloc (09022015). Collection method: clinical testing. Allele origin: germline.
Comment: This sequence change replaces leucine, which is neutral and non-polar, with valine, which is neutral and non-polar, at codon 186 of the HADHB protein (p.Leu186Val). This variant is not present in population databases (gnomAD no frequency). This variant has not been reported in the literature in individuals affected with HADHB-related conditions. Algorithms developed to predict the effect of missense changes on protein structure and function (SIFT, PolyPhen-2, Align-GVGD) all suggest that this variant is likely to be tolerated. In summary, the available evidence is currently insufficient to determine the role of this variant in disease. Therefore, it has been classified as a Variant of Uncertain Significance.